The following is an entry in ClinVar:

ClinVar aggregate classification (germline): Pathogenic (1 of 4 stars; one submission).

Conditions:
Familial focal epilepsy with variable foci (FPEVF). Identifiers: Orphanet 98820, MedGen C1858477, MONDO:0020310.

Submission:

Labcorp Genetics (formerly Invitae), Labcorp
Classification: Pathogenic for Familial focal epilepsy with variable foci. Last evaluated: 2020-06-18. Review status: criteria provided, single submitter. Criteria: Invitae Variant Classification Sherloc (09022015). Collection method: clinical testing. Allele origin: germline.
Comment: This sequence change creates a premature translational stop signal (p.Leu102Phefs*4) in the DEPDC5 gene. It is expected to result in an absent or disrupted protein product. This variant is not present in population databases (ExAC no frequency). This variant has not been reported in the literature in individuals with DEPDC5-related conditions. Loss-of-function variants in DEPDC5 are known to be pathogenic (PMID: 23542697, 23542701). For these reasons, this variant has been classified as Pathogenic.

Literature cited by the submitters: PubMed 23542697; PubMed 23542701.

NM_001242896.3(DEPDC5):c.305dup (p.Leu102fs)

Gene: DEPDC5 (DEP domain containing 5, GATOR1 subcomplex subunit; plus strand). Cytogenetic location: 22q12.2.
Variant type: Duplication.
Coding change: c.305dup on transcript NM_001242896.3 (MANE Select); coding-DNA position 305, one base duplicated (T; older notation c.305dupT).
Protein change: p.Leu102fs; shifts the reading frame from leucine 102.
Molecular consequence: frameshift variant. On other transcripts: non-coding transcript variant (5), intron variant (2).
Genome position (GRCh38, 1-based): chr22:31,766,610, T duplicated; the last of 2 consecutive T bases (chr22:31,766,609-31,766,610); duplicating either gives the same sequence. VCF-style (leftmost placement, unchanged base first): chr22-31766608-A-AT. GRCh37 (hg19) VCF-style: chr22-32162594-A-AT.
Other names: c.305dup, p.Leu102fs (NM_001007188.4, NM_001136029.4, NM_001242897.2 and 7 more transcripts); c.279+1550dup (NM_001369902.1, NM_001369901.1); short protein forms L102fs.
Identifiers: ClinVar variation 1073683 (VCV001073683.7), dbSNP rs2148128199, ClinGen allele CA2499226150.
Genomic context (GRCh38, chr22:31,766,608, plus strand): 5'-AGTAATGTCAGAGATATCATTTGATTATTCCTTTTAGGATGTGACCCTTGACCTAGTGGA[A>AT]TTAACTTTTAAGGATCAGTATATTGGCCGTGGGGATATGTGGCGACTAAAGAAAAGTTTG-3'